The following is an entry in ClinVar:

ClinVar aggregate classification (germline): Uncertain significance. Review status: criteria provided, multiple submitters, no conflicts (2 of 4 stars). 2 submissions from 2 submitters: Uncertain significance (2). Last evaluated 2024-08-21.

Conditions:
Inborn genetic diseases. Identifiers: MedGen C0950123, MeSH D030342.

Allele frequency attached by ClinVar (database versions not stated): gnomAD 0.00001; gnomAD exomes 0.00001; TOPMed 0.00002.
gnomAD v4.1: 5 of 1,594,124 alleles (0.00031%); highest among the groups gnomAD compares: Admixed American, 0.0017%; no homozygotes.

Submissions (2):

Ambry Genetics
Classification: Uncertain significance for Inborn genetic diseases. Last evaluated: 2024-08-21. Review status: criteria provided, single submitter. Criteria: Ambry Variant Classification Scheme 2023. Collection method: clinical testing. Allele origin: germline.

ARUP Laboratories, Molecular Genetics and Genomics, ARUP Laboratories
Classification: Uncertain significance. Last evaluated: 2017-05-10. Review status: criteria provided, single submitter. Criteria: ARUP Molecular Germline Variant Investigation Process. Collection method: clinical testing. Allele origin: germline.
Comment: The PKD1 c.10027C>T, p.Leu3343Phe variant has not been reported in the medical literature, nor listed in gene-specific variant databases. It has been observed in the Genome Aggregation Database general population database (2/197894 alleles), but considered a low confidence variant. The leucine at residue 3343 is highly conserved, but computational algorithms (Align GVGD: C15; Mutation Taster: disease-causing; PolyPhen-2: probably damaging; SIFT: tolerated) are inconclusive on the variant's impact on the protein. Due to the limited information regarding this variant, its clinical significance could not be determined with certainty.

NM_001009944.3(PKD1):c.10027C>T (p.Leu3343Phe)

Gene: PKD1 (polycystin 1, transient receptor potential channel interacting; minus strand). Cytogenetic location: 16p13.3.
Variant type: single nucleotide variant.
Coding change: c.10027C>T on transcript NM_001009944.3 (MANE Select); coding-DNA position 10027, C replaced by T.
Protein change: p.Leu3343Phe; replaces leucine 3343 with phenylalanine.
Molecular consequence: missense variant.
Genome position (GRCh38, 1-based): chr16:2,099,667, G>A on the plus strand (C>T on the coding strand, the complement: PKD1 is on the minus strand). VCF-style: chr16-2099667-G-A. GRCh37 (hg19) VCF-style: chr16-2149668-G-A.
Other names: c.10027C>T, p.Leu3343Phe (NM_000296.4); short protein forms L3343F.
Identifiers: ClinVar variation 618306 (VCV000618306.9), dbSNP rs1158465434, ClinGen allele CA394351916.